The following is an entry in ClinVar:

ClinVar aggregate classification (germline): Likely benign. Review status: criteria provided, multiple submitters, no conflicts (2 of 4 stars). 3 submissions from 3 submitters: Likely benign (3). Last evaluated 2025-07-31.

Conditions:
Hereditary cancer-predisposing syndrome. Also called: Hereditary neoplastic syndrome; Hereditary Cancer Syndrome; Neoplastic Syndromes, Hereditary; Tumor predisposition. Identifiers: Orphanet 140162, MedGen C0027672, MeSH D009386, MONDO:0015356.
BAP1-related tumor predisposition syndrome (TPDS1). Also called: BAP1 tumor predisposition syndrome; TUMOR PREDISPOSITION SYNDROME 1; COMMON Syndrome; Tumor susceptibility linked to germline BAP1 mutations. Identifiers: Orphanet 289539, MedGen C3280492, MONDO:0013692, OMIM 614327.

Submissions (3):

Labcorp Genetics (formerly Invitae), Labcorp
Classification: Likely benign for BAP1-related tumor predisposition syndrome. Last evaluated: 2025-07-31. Review status: criteria provided, single submitter. Criteria: Invitae Variant Classification Sherloc (09022015). Collection method: clinical testing. Allele origin: germline.

Ambry Genetics
Classification: Likely benign for Hereditary cancer-predisposing syndrome. Last evaluated: 2021-01-21. Review status: criteria provided, single submitter. Criteria: Ambry Variant Classification Scheme 2023. Collection method: clinical testing. Allele origin: germline.

GeneDx
Classification: Likely benign. Last evaluated: 2017-03-03. Review status: criteria provided, single submitter. Criteria: GeneDx Variant Classification (06012015). Collection method: clinical testing. Allele origin: germline. Affected: yes.
Comment: This variant is considered likely benign or benign based on one or more of the following criteria: it is a conservative change, it occurs at a poorly conserved position in the protein, it is predicted to be benign by multiple in silico algorithms, and/or has population frequency not consistent with disease.

NM_004656.4(BAP1):c.189T>C (p.Ser63=)

Gene: BAP1 (BRCA1 associated deubiquitinase 1; minus strand). Cytogenetic location: 3p21.1.
Variant type: single nucleotide variant.
Coding change: c.189T>C on transcript NM_004656.4 (MANE Select); coding-DNA position 189, T replaced by C.
Protein change: p.Ser63=; no amino-acid change (serine 63 retained).
Molecular consequence: synonymous variant.
Genome position (GRCh38, 1-based): chr3:52,408,540, A>G on the plus strand (T>C on the coding strand, the complement: BAP1 is on the minus strand). VCF-style: chr3-52408540-A-G. GRCh37 (hg19) VCF-style: chr3-52442556-A-G.
Identifiers: ClinVar variation 507806 (VCV000507806.11), dbSNP rs1553646013, ClinGen allele CA433778183.